The following is an entry in ClinVar:

ClinVar aggregate classification (germline): Conflicting classifications of pathogenicity. Review status: criteria provided, conflicting classifications (1 of 4 stars). 2 submissions from 2 submitters: Uncertain significance (1); Likely benign (1). Last evaluated 2025-10-22.

Conditions:
Charcot-Marie-Tooth disease type 2. Also called: Charcot-Marie-Tooth type 2. Identifiers: Orphanet 64746, MedGen C0270914, MONDO:0018993.

Allele frequency attached by ClinVar (database versions not stated): ESP Exome Variant Server 0.00041; TOPMed 0.00012.
gnomAD v4.1: 60 of 1,614,024 alleles (0.0037%); highest among the groups gnomAD compares: African/African-American, 0.025%; no homozygotes.

Submissions (2):

Labcorp Genetics (formerly Invitae), Labcorp
Classification: Likely benign for Charcot-Marie-Tooth disease type 2. Last evaluated: 2025-10-22. Review status: criteria provided, single submitter. Criteria: Invitae Variant Classification Sherloc (09022015). Collection method: clinical testing. Allele origin: germline.

Ambry Genetics
Classification: Uncertain significance. Last evaluated: 2021-03-03. Review status: criteria provided, single submitter. Criteria: Ambry Variant Classification Scheme 2023. Collection method: clinical testing. Allele origin: germline.
Comment: The p.R391H variant (also known as c.1172G>A), located in coding exon 9 of the GARS gene, results from a G to A substitution at nucleotide position 1172. The arginine at codon 391 is replaced by histidine, an amino acid with highly similar properties. This amino acid position is highly conserved in available vertebrate species. In addition, the in silico prediction for this alteration is inconclusive. Based on the supporting evidence, this variant is unlikely to be causative of Charcot-Marie Tooth type 2D (CMT2D) and distal hereditary motor neuronopathy type VA; however, its contribution to the development of GARS-related mitochondrial respiratory chain dysfunction is uncertain.

NM_002047.4(GARS1):c.1172G>A (p.Arg391His)

Gene: GARS1 (glycyl-tRNA synthetase 1; plus strand). Cytogenetic location: 7p14.3.
Variant type: single nucleotide variant.
Coding change: c.1172G>A on transcript NM_002047.4 (MANE Select); coding-DNA position 1172, G replaced by A.
Protein change: p.Arg391His; replaces arginine 391 with histidine.
Molecular consequence: missense variant.
Genome position (GRCh38, 1-based): chr7:30,616,036, G>A. VCF-style: chr7-30616036-G-A. GRCh37 (hg19) VCF-style: chr7-30655652-G-A.
Other names: c.1010G>A, p.Arg337His (NM_001316772.1); short protein forms R391H, R337H.
Identifiers: ClinVar variation 834328 (VCV000834328.9), dbSNP rs199832199, ClinGen allele CA4205910.